The following is an entry in ClinVar:

NM_152703.5(SAMD9L):c.1320G>T (p.Trp440Cys)

Gene: SAMD9L (sterile alpha motif domain containing 9 like; minus strand). Cytogenetic location: 7q21.2.
Variant type: single nucleotide variant.
Coding change: c.1320G>T on transcript NM_152703.5 (MANE Select); coding-DNA position 1320, G replaced by T.
Protein change: p.Trp440Cys; replaces tryptophan 440 with cysteine.
Molecular consequence: missense variant.
Genome position (GRCh38, 1-based): chr7:93,134,652, C>A on the plus strand (G>T on the coding strand, the complement: SAMD9L is on the minus strand). VCF-style: chr7-93134652-C-A. GRCh37 (hg19) VCF-style: chr7-92763965-C-A.
Other names: c.1320G>T, p.Trp440Cys (NM_001303496.3, NM_001303497.3, NM_001303498.3 and 5 more transcripts); short protein forms W440C.
Identifiers: ClinVar variation 3949921 (VCV003949921.1).
Genomic context (GRCh38, chr7:93,134,652, plus strand): 5'-TTTGTAAGCTTTGACCACTCCATTGATCATAGATTCAGGATCAAACTCCAACACAGCAAA[C>A]CATTTAATTTCTTTTAAAAAATCTAAGTGCTTTATTTGGTTTGGATGGCATTTATTTGTT-3'
Protein context (NP_689916.2, residues 430-450): KHLDFLKEIK[Trp440Cys]FAVLEFDPES

ClinVar aggregate classification (germline): Uncertain significance (1 of 4 stars; one submission).

Conditions:
Inborn genetic diseases. Identifiers: MedGen C0950123, MeSH D030342.

Submission:

Ambry Genetics
Classification: Uncertain significance for Inborn genetic diseases. Last evaluated: 2025-05-16. Review status: criteria provided, single submitter. Criteria: Ambry Variant Classification Scheme 2023. Collection method: clinical testing. Allele origin: germline.
Comment: The p.W440C variant (also known as c.1320G>T), located in coding exon 1 of the SAMD9L gene, results from a G to T substitution at nucleotide position 1320. The tryptophan at codon 440 is replaced by cysteine, an amino acid with highly dissimilar properties. This amino acid position is conserved. In addition, this alteration is predicted to be tolerated by in silico analysis. Based on the available evidence, the clinical significance of this variant remains unclear.